The following is an entry in ClinVar:

ClinVar aggregate classification (germline): Conflicting classifications of pathogenicity. Review status: criteria provided, conflicting classifications (1 of 4 stars). 4 submissions from 3 submitters: Uncertain significance (1); Benign (1); Likely benign (2). Last evaluated 2024-01-04.

Conditions:
Freeman-Sheldon syndrome (DA2A). Also called: WHISTLING FACE-WINDMILL VANE HAND SYNDROME; Arthrogryposis, distal, type 2A (Freeman-Sheldon); CRANIOCARPOTARSAL DYSPLASIA; CRANIOCARPOTARSAL DYSTROPHY. Identifiers: Orphanet 2053, MedGen C0265224, MONDO:0008675, OMIM 193700.
Distal arthrogryposis type 2B1 (DA2B1). Also called: Arthrogryposis multiplex congenita distal type II with craniofacial abnormalities. Identifiers: Orphanet 1147, MedGen C5193014, MONDO:0020820, OMIM 601680.

Allele frequency attached by ClinVar (database versions not stated): gnomAD 0.00001; ExAC 0.00002; gnomAD exomes 0.00002 and 0.00004; 1000 Genomes Project 30x 0.00016; 1000 Genomes Project 0.00020.

Submissions (4):

Labcorp Genetics (formerly Invitae), Labcorp
Classification: Likely benign. Last evaluated: 2024-01-04. Review status: criteria provided, single submitter. Criteria: Invitae Variant Classification Sherloc (09022015). Collection method: clinical testing. Allele origin: germline.

Blueprint Genetics
Classification: Likely benign. Last evaluated: 2023-05-02. Review status: criteria provided, single submitter. Criteria: ACMG Guidelines, 2015. Collection method: clinical testing. Allele origin: germline.

Illumina Laboratory Services, Illumina
Classification: Benign for Freeman-Sheldon syndrome. Last evaluated: 2018-01-13. Review status: criteria provided, single submitter. Criteria: ICSL Variant Classification Criteria 13 December 2019. Collection method: clinical testing. Allele origin: germline.
Comment: This variant was observed in the ICSL laboratory as part of a predisposition screen in an ostensibly healthy population. It had not been previously curated by ICSL or reported in the Human Gene Mutation Database (HGMD: prior to June 1st, 2018), and was therefore a candidate for classification through an automated scoring system. Utilizing variant allele frequency, disease prevalence and penetrance estimates, and inheritance mode, an automated score was calculated to assess if this variant is too frequent to cause the disease. Based on the score and internal cut-off values, a variant classified as benign is not then subjected to further curation. The score for this variant resulted in a classification of benign for this disease.

Illumina Laboratory Services, Illumina
Classification: Uncertain significance for Distal arthrogryposis type 2B1. Last evaluated: 2018-01-13. Review status: criteria provided, single submitter. Criteria: ICSL Variant Classification Criteria 13 December 2019. Collection method: clinical testing. Allele origin: germline.

NM_002470.4(MYH3):c.2517C>A (p.Pro839=)

Gene: MYH3 (myosin heavy chain 3; minus strand). Cytogenetic location: 17p13.1.
Variant type: single nucleotide variant.
Coding change: c.2517C>A on transcript NM_002470.4 (MANE Select); coding-DNA position 2517, C replaced by A.
Protein change: p.Pro839=; no amino-acid change (proline 839 retained).
Molecular consequence: synonymous variant.
Genome position (GRCh38, 1-based): chr17:10,640,161, G>T on the plus strand (C>A on the coding strand, the complement: MYH3 is on the minus strand). VCF-style: chr17-10640161-G-T. GRCh37 (hg19) VCF-style: chr17-10543478-G-T.
Identifiers: ClinVar variation 889125 (VCV000889125.9), dbSNP rs577088293, ClinGen allele CA8392748.